The following is an entry in ClinVar:

NM_032485.6(MCM8):c.2470C>T (p.Gln824Ter)

Genes: MCM8 (minichromosome maintenance 8 homologous recombination repair factor; plus strand), MCM8-AS1 (MCM8 antisense RNA 1; minus strand). Cytogenetic location: 20p12.3.
Variant type: single nucleotide variant.
Coding change: c.2470C>T on transcript NM_032485.6 (MANE Select); coding-DNA position 2470, C replaced by T.
Protein change: p.Gln824Ter; replaces glutamine 824 with a stop codon.
Molecular consequence: nonsense.
Genome position (GRCh38, 1-based): chr20:5,994,338, C>T. VCF-style: chr20-5994338-C-T. GRCh37 (hg19) VCF-style: chr20-5974984-C-T.
Other names: c.2470C>T, p.Gln824Ter (NM_001281520.2); c.2590C>T, p.Gln864Ter (NM_001281521.2); c.2329C>T, p.Gln777Ter (NM_001281522.2); c.2422C>T, p.Gln808Ter (NM_182802.3); short protein forms Q777*, Q808*, Q824*, Q864*.
Identifiers: ClinVar variation 1307030 (VCV001307030.2), dbSNP rs2122856055, ClinGen allele CA408175083.

ClinVar aggregate classification (germline): Uncertain significance (1 of 4 stars; one submission).

Submission:

GeneDx
Classification: Uncertain significance. Last evaluated: 2020-06-16. Review status: criteria provided, single submitter. Criteria: GeneDx Variant Classification Process June 2021. Collection method: clinical testing. Allele origin: germline. Affected: yes.
Comment: Not observed in large population cohorts (Lek et al., 2016); Nonsense variant predicted to result in protein truncation as the last 17 amino acids are lost, although loss-of-function variants have not been reported downstream of this position in the protein; Has not been previously published as pathogenic or benign to our knowledge